The following is an entry in ClinVar:

NM_030773.4(TUBB1):c.109C>T (p.Arg37Cys)

Gene: TUBB1 (tubulin beta 1 class VI; plus strand). Cytogenetic location: 20q13.32.
Variant type: single nucleotide variant.
Coding change: c.109C>T on transcript NM_030773.4 (MANE Select); coding-DNA position 109, C replaced by T.
Protein change: p.Arg37Cys; replaces arginine 37 with cysteine.
Molecular consequence: missense variant.
Genome position (GRCh38, 1-based): chr20:59,022,896, C>T. VCF-style: chr20-59022896-C-T. GRCh37 (hg19) VCF-style: chr20-57597951-C-T.
Other names: short protein forms R37C.
Identifiers: ClinVar variation 3352241 (VCV003352241.3).

ClinVar aggregate classification (germline): Uncertain significance. Review status: criteria provided, single submitter (1 of 4 stars). 2 submissions from 2 submitters: Uncertain significance (1). 1 of the submissions does not count toward it. Last evaluated 2025-01-11.

Conditions:
TUBB1-related disorder. Also called: TUBB1-related condition.

gnomAD v4.1: 168 of 1,613,986 alleles (0.01%); highest among the groups gnomAD compares: African/African-American, 0.035%; no homozygotes.

Submissions (2):

Labcorp Genetics (formerly Invitae), Labcorp
Classification: Uncertain significance. Last evaluated: 2025-01-11. Review status: criteria provided, single submitter. Criteria: Invitae Variant Classification Sherloc (09022015). Collection method: clinical testing. Allele origin: germline.
Comment: This sequence change replaces arginine, which is basic and polar, with cysteine, which is neutral and slightly polar, at codon 37 of the TUBB1 protein (p.Arg37Cys). This variant is present in population databases (rs139603365, gnomAD 0.06%), and has an allele count higher than expected for a pathogenic variant. This variant has not been reported in the literature in individuals affected with TUBB1-related conditions. Invitae Evidence Modeling of protein sequence and biophysical properties (such as structural, functional, and spatial information, amino acid conservation, physicochemical variation, residue mobility, and thermodynamic stability) indicates that this missense variant is not expected to disrupt TUBB1 protein function with a negative predictive value of 80%. In summary, the available evidence is currently insufficient to determine the role of this variant in disease. Therefore, it has been classified as a Variant of Uncertain Significance.

PreventionGenetics, part of Exact Sciences
Classification: Likely benign for TUBB1-related condition. Last evaluated: 2024-08-05. Review status: no assertion criteria provided. Collection method: clinical testing. Allele origin: germline. Not counted in ClinVar's aggregate classification.
Comment: This variant is classified as likely benign based on ACMG/AMP sequence variant interpretation guidelines (Richards et al. 2015 PMID: 25741868, with internal and published modifications).